The following is an entry in ClinVar:

ClinVar aggregate classification (germline): Uncertain significance (1 of 4 stars; one submission).

Submission:

Labcorp Genetics (formerly Invitae), Labcorp
Classification: Uncertain significance. Last evaluated: 2025-03-16. Review status: criteria provided, single submitter. Criteria: Invitae Variant Classification Sherloc (09022015). Collection method: clinical testing. Allele origin: germline.
Comment: This sequence change replaces alanine, which is neutral and non-polar, with serine, which is neutral and polar, at codon 723 of the KIF20A protein (p.Ala723Ser). This variant is not present in population databases (gnomAD no frequency). This variant has not been reported in the literature in individuals affected with KIF20A-related conditions. An algorithm developed to predict the effect of missense changes on protein structure and function (PolyPhen-2) suggests that this variant is likely to be tolerated. In summary, the available evidence is currently insufficient to determine the role of this variant in disease. Therefore, it has been classified as a Variant of Uncertain Significance.

NM_005733.3(KIF20A):c.2167G>T (p.Ala723Ser)

Gene: KIF20A (kinesin family member 20A; plus strand). Cytogenetic location: 5q31.2.
Variant type: single nucleotide variant.
Coding change: c.2167G>T on transcript NM_005733.3 (MANE Select); coding-DNA position 2167, G replaced by T.
Protein change: p.Ala723Ser; replaces alanine 723 with serine.
Molecular consequence: missense variant.
Genome position (GRCh38, 1-based): chr5:138,186,002, G>T. VCF-style: chr5-138186002-G-T. GRCh37 (hg19) VCF-style: chr5-137521691-G-T.
Other names: short protein forms A723S.
Identifiers: ClinVar variation 4714876 (VCV004714876.1).
Genomic context (GRCh38, chr5:138,186,002, plus strand): 5'-TCCTGTTTCCTTCCCTCAGAGTTGCATAAGTATCAGAAAATGTTAGAACCACCACCCTCA[G>T]CCAAGCCCTTCACCATTGATGTGGACAAGAAGTTAGAAGAGGGCCAGAAGGTAATTACCA-3'
Protein context (NP_005724.1, residues 713-733): YQKMLEPPPS[Ala723Ser]KPFTIDVDKK